The following is an entry in ClinVar:

ClinVar aggregate classification (germline): Pathogenic. Review status: criteria provided, multiple submitters, no conflicts (2 of 4 stars). 2 submissions from 2 submitters: Pathogenic (2). Last evaluated 2023-07-29.

Conditions:
Multiple endocrine neoplasia, type 1 (MEN1). Also called: MEN I; WERMER SYNDROME; MEA I; Endocrine adenomatosis multiple; MEN 1. Identifiers: Orphanet 652, MedGen C0025267, MeSH D018761, MONDO:0007540, OMIM 131100.

Submissions (2):

Labcorp Genetics (formerly Invitae), Labcorp
Classification: Pathogenic for Multiple endocrine neoplasia, type 1. Last evaluated: 2023-07-29. Review status: criteria provided, single submitter. Criteria: Invitae Variant Classification Sherloc (09022015). Collection method: clinical testing. Allele origin: germline.
Comment: For these reasons, this variant has been classified as Pathogenic. This variant disrupts a region of the MEN1 protein in which other variant(s) (p.Thr580Argfs*8) have been determined to be pathogenic (PMID: 15331604, 16449969; Invitae). This suggests that this is a clinically significant region of the protein, and that variants that disrupt it are likely to be disease-causing. ClinVar contains an entry for this variant (Variation ID: 1331034). This variant has not been reported in the literature in individuals affected with MEN1-related conditions. This variant is not present in population databases (gnomAD no frequency). This sequence change creates a premature translational stop signal (p.Pro428Glnfs*22) in the MEN1 gene. While this is not anticipated to result in nonsense mediated decay, it is expected to disrupt the last 183 amino acid(s) of the MEN1 protein.

ARUP Laboratories, Molecular Genetics and Genomics, ARUP Laboratories
Classification: Pathogenic. Last evaluated: 2020-10-28. Review status: criteria provided, single submitter. Criteria: ARUP Molecular Germline Variant Investigation Process 2021. Collection method: clinical testing. Allele origin: germline.
Comment: The MEN1 c.1279_1282dupAGTC; p. Pro428GlnfsTer22 variant, to our knowledge, is not reported in the medical literature or gene specific databases. This variant is also absent from general population databases (Exome Variant Server, Genome Aggregation Database), indicating it is not a common polymorphism. This variant causes a frameshift by inserting 4 nucleotides, so it is predicted to result in a truncated protein or mRNA subject to nonsense-mediated decay. Additionally, several downstream truncating variants have been described in individuals with multiple endocrine neoplasia type 1 and are considered pathogenic (Romanet 2019, Wautot 2002). Based on available information, this variant is considered to be pathogenic. References: Romanet P et al. UMD-MEN1 Database: An Overview of the 370 MEN1 Variants Present in 1676 Patients From the French Population. J Clin Endocrinol Metab. 2019 Mar 1;104(3):753-764. Wautot V et al. Germline mutation profile of MEN1 in multiple endocrine neoplasia type 1: search for correlation between phenotype and the functional domains of the MEN1 protein. Hum Mutat. 2002 Jul;20(1):35-47.

Literature cited by the submitters: PubMed 15331604 (cited by Labcorp Genetics (formerly Invitae), Labcorp); PubMed 16449969 (cited by Labcorp Genetics (formerly Invitae), Labcorp).

NM_001370259.2(MEN1):c.1279_1282dup (p.Pro428fs)

Gene: MEN1 (menin 1; minus strand). Cytogenetic location: 11q13.1.
Variant type: Duplication.
Coding change: c.1279_1282dup on transcript NM_001370259.2 (MANE Select); coding-DNA positions 1279 to 1282, 4 bases duplicated (AGTC; older notation c.1279_1282dupAGTC).
Protein change: p.Pro428fs; shifts the reading frame from proline 428.
Molecular consequence: frameshift variant.
Genome position (GRCh38, 1-based): chr11:64,805,102-64,805,105, GACT duplicated on the plus strand (AGTC on the coding strand, the reverse complement: MEN1 is on the minus strand); duplicating any 4 consecutive bases within chr11:64,805,102-64,805,106 gives the same sequence; the c. name uses the placement nearest the transcript's 3' end. VCF-style (leftmost placement, unchanged base first): chr11-64805101-G-GGACT. GRCh37 (hg19) VCF-style: chr11-64572573-G-GGACT.
Other names: c.1294_1297dup, p.Pro433fs (NM_000244.4, NM_130800.3, NM_130801.3 and 3 more transcripts); c.1405_1408dup, p.Pro470fs (NM_001370251.2); c.1279_1282dup, p.Pro428fs (NM_001370260.2, NM_001370261.2, NM_130799.3); c.1174_1177dup, p.Pro393fs (NM_001370262.2, NM_001370263.2); short protein forms P393fs, P428fs, P433fs, P470fs.
Identifiers: ClinVar variation 1331034 (VCV001331034.16), dbSNP rs2136101131, ClinGen allele CA1139770397.